The following is an entry in ClinVar:

ClinVar aggregate classification (germline): Uncertain significance. Review status: criteria provided, multiple submitters, no conflicts (2 of 4 stars). 2 submissions from 2 submitters: Uncertain significance (2). Last evaluated 2026-08-26.

Conditions:
SEMA3D-related disorder. Also called: SEMA3D-related condition.

Allele frequency attached by ClinVar (database versions not stated): gnomAD exomes 0.00002; ExAC 0.00003; gnomAD 0.00003; TOPMed 0.00003.
gnomAD v4.1: 32 of 1,600,780 alleles (0.002%); highest among the groups gnomAD compares: East Asian, 0.058%; no homozygotes.

Submissions (2):

PreventionGenetics, part of Exact Sciences
Classification: Uncertain significance for SEMA3D-related condition. Last evaluated: 2026-08-26. Review status: criteria provided, single submitter. Criteria: ACMG Guidelines, 2015. Collection method: clinical testing. Allele origin: germline.
Comment: The SEMA3D c.39C>A variant is predicted to result in the amino acid substitution p.Ser13Arg. To our knowledge, this variant has not been reported in the literature. This variant is reported in 0.051% of alleles in individuals of East Asian descent in gnomAD. At this time, the clinical significance of this variant is uncertain due to the absence of conclusive functional and genetic evidence.

Ambry Genetics
Classification: Uncertain significance. Last evaluated: 2023-04-05. Review status: criteria provided, single submitter. Criteria: Ambry Variant Classification Scheme 2023. Collection method: clinical testing. Allele origin: germline.

NM_001384900.1(SEMA3D):c.39C>A (p.Ser13Arg)

Gene: SEMA3D (semaphorin 3D; minus strand). Cytogenetic location: 7q21.11.
Variant type: single nucleotide variant.
Coding change: c.39C>A on transcript NM_001384900.1 (MANE Select); coding-DNA position 39, C replaced by A.
Protein change: p.Ser13Arg; replaces serine 13 with arginine.
Molecular consequence: missense variant.
Genome position (GRCh38, 1-based): chr7:85,121,853, G>T on the plus strand (C>A on the coding strand, the complement: SEMA3D is on the minus strand). VCF-style: chr7-85121853-G-T. GRCh37 (hg19) VCF-style: chr7-84751169-G-T.
Other names: c.39C>A, p.Ser13Arg (NM_001384901.1, NM_001384902.1, NM_001384903.1 and 1 more transcripts); short protein forms S13R.
Identifiers: ClinVar variation 2522989 (VCV002522989.3), dbSNP rs753698972, ClinGen allele CA4323898.